The following is an entry in ClinVar:

ClinVar aggregate classification (germline): Uncertain significance (1 of 4 stars; one submission).

Conditions:
C1Q deficiency 1 (C1QD1). Identifiers: MedGen CN376805, MONDO:0958182, OMIM 613652.

Submission:

Next Generation Genetic Polyclinic
Classification: Uncertain significance for C1Q deficiency 1. Last evaluated: 2025-04-02. Review status: criteria provided, single submitter. Criteria: ACMG Guidelines, 2015. Collection method: curation. Allele origin: germline. Affected: yes. Observed: 1 variant allele.
Comment: Novel missense variant in the C1QA gene (c.159G>T; p.Trp53Cys), identified in the homozygous state. This variant results in the substitution of a highly conserved tryptophan residue within the C1q A chain, a key component of the classical complement pathway. The variant is absent from population databases such as gnomAD (PM2), supporting its rarity. However, in silico prediction tools suggest a benign effect on protein function, and no published literature or ClinVar entries currently associate this specific change with disease. Given the limited evidence for pathogenicity and the presence of a benign computational prediction, the variant is currently classified as a Variant of Uncertain Significance (VUS). Meets ACMG criteria: PM2 (absence in controls), BP4 (benign computational evidence).

NM_015991.4(C1QA):c.159G>T (p.Glu53Asp)

Gene: C1QA (complement C1q A chain; plus strand). Cytogenetic location: 1p36.12.
Variant type: single nucleotide variant.
Coding change: c.159G>T on transcript NM_015991.4 (MANE Select); coding-DNA position 159, G replaced by T.
Protein change: p.Glu53Asp; replaces glutamic acid 53 with aspartic acid.
Molecular consequence: missense variant.
Genome position (GRCh38, 1-based): chr1:22,637,775, G>T. VCF-style: chr1-22637775-G-T. GRCh37 (hg19) VCF-style: chr1-22964268-G-T.
Other names: c.159G>T, p.Glu53Asp (NM_001347465.2, NM_001347466.2); short protein forms E53D.
Identifiers: ClinVar variation 4071526 (VCV004071526.1).
Genomic context (GRCh38, chr1:22,637,775, plus strand): 5'-AGGGGAGGCAGGAAGACCTGGCAGACGGGGGCGGCCAGGCCTCAAGGGGGAGCAAGGGGA[G>T]CCGGGTAAGCACCCTTCCTCGGGACCCAGCCCCTTGGACCTTGGCCTGACTTGGCCTCCA-3'
Protein context (NP_057075.1, residues 43-63): GRPGLKGEQG[Glu53Asp]PGAPGIRTGI